The following is an entry in ClinVar:

NM_173728.4(ARHGEF15):c.1704+3A>T

Gene: ARHGEF15 (Rho guanine nucleotide exchange factor 15; plus strand). Cytogenetic location: 17p13.1.
Variant type: single nucleotide variant.
Coding change: c.1704+3A>T on transcript NM_173728.4 (MANE Select); 3 bases into the intron after coding-DNA position 1704, A replaced by T.
Molecular consequence: intron variant.
Genome position (GRCh38, 1-based): chr17:8,316,151, A>T. VCF-style: chr17-8316151-A-T. GRCh37 (hg19) VCF-style: chr17-8219469-A-T.
Other names: c.1704+3A>T (NM_025014.2).
Identifiers: ClinVar variation 2791766 (VCV002791766.3), dbSNP rs748548374, ClinGen allele CA775794058.

ClinVar aggregate classification (germline): Uncertain significance (1 of 4 stars; one submission).

Conditions:
Early-infantile DEE. Also called: Early infantile epileptic encephalopathy; Early infantile epileptic encephalopathy with suppression bursts; Ohtahara syndrome. Identifiers: Orphanet 1934, MedGen C0393706, MONDO:0800491.

Allele frequency attached by ClinVar (database versions not stated): gnomAD 0.00001; TOPMed below 0.00001.

Submission:

Labcorp Genetics (formerly Invitae), Labcorp
Classification: Uncertain significance for Early-infantile DEE. Last evaluated: 2022-12-24. Review status: criteria provided, single submitter. Criteria: Invitae Variant Classification Sherloc (09022015). Collection method: clinical testing. Allele origin: germline.
Comment: This sequence change falls in intron 9 of the ARHGEF15 gene. It does not directly change the encoded amino acid sequence of the ARHGEF15 protein. It affects a nucleotide within the consensus splice site. This variant is not present in population databases (gnomAD no frequency). This variant has not been reported in the literature in individuals affected with ARHGEF15-related conditions. Variants that disrupt the consensus splice site are a relatively common cause of aberrant splicing (PMID: 17576681, 9536098). Algorithms developed to predict the effect of sequence changes on RNA splicing suggest that this variant may create or strengthen a splice site. In summary, the available evidence is currently insufficient to determine the role of this variant in disease. Therefore, it has been classified as a Variant of Uncertain Significance.

Literature cited by the submitters: PubMed 17576681; PubMed 9536098.